The following is an entry in ClinVar:

NM_001368397.1(FRMPD4):c.664T>C (p.Cys222Arg)

Gene: FRMPD4 (FERM and PDZ domain containing 4; plus strand). Cytogenetic location: Xp22.2.
Variant type: single nucleotide variant.
Coding change: c.664T>C on transcript NM_001368397.1 (MANE Select); coding-DNA position 664, T replaced by C.
Protein change: p.Cys222Arg; replaces cysteine 222 with arginine.
Molecular consequence: missense variant.
Genome position (GRCh38, 1-based): chrX:12,686,187, T>C. VCF-style: chrX-12686187-T-C. GRCh37 (hg19) VCF-style: chrX-12704306-T-C.
Other names: c.775T>C, p.Cys259Arg (NM_001368395.3, NM_001368398.3); c.670T>C, p.Cys224Arg (NM_001368396.3); c.655T>C, p.Cys219Arg (NM_001368399.3); c.544T>C, p.Cys182Arg (NM_001368400.3); c.640T>C, p.Cys214Arg (NM_001368401.1, NM_001368402.3); c.664T>C, p.Cys222Arg (NM_014728.3); short protein forms C182R, C214R, C219R, C222R, C224R, C259R.
Identifiers: ClinVar variation 3902488 (VCV003902488.1).

ClinVar aggregate classification (germline): Uncertain significance (1 of 4 stars; one submission).

gnomAD v4.1: 4 of 1,122,412 alleles (0.00036%); highest among the groups gnomAD compares: Admixed American, 0.0088%; no homozygotes.

Submission:

Women's Health and Genetics/Laboratory Corporation of America, LabCorp
Classification: Uncertain significance. Last evaluated: 2025-05-06. Review status: criteria provided, single submitter. Criteria: LabCorp Variant Classification Summary - May 2015. Collection method: clinical testing. Allele origin: germline.
Comment: Variant summary: FRMPD4 c.664T>C (p.Cys222Arg) results in a non-conservative amino acid change in the encoded protein sequence. Algorithms developed to predict the effect of missense changes on protein structure and function are either unavailable or do not agree on the potential impact of this missense change. The variant allele was found at a frequency of 1.7e-05 in 177179 control chromosomes (gnomAD). The available data on variant occurrences in the general population are insufficient to allow any conclusion about variant significance. To our knowledge, no occurrence of c.664T>C in individuals affected with X-Linked Intellectual Disability 104 and no experimental evidence demonstrating its impact on protein function have been reported. No submitters have cited clinical-significance assessments for this variant to ClinVar. Based on the evidence outlined above, the variant was classified as uncertain significance.